The following is an entry in ClinVar:

NM_013432.5(TONSL):c.4010T>C (p.Leu1337Pro)

Gene: TONSL (tonsoku like, DNA repair protein; minus strand). Cytogenetic location: 8q24.3.
Variant type: single nucleotide variant.
Coding change: c.4010T>C on transcript NM_013432.5 (MANE Select); coding-DNA position 4010, T replaced by C.
Protein change: p.Leu1337Pro; replaces leucine 1337 with proline.
Molecular consequence: missense variant.
Genome position (GRCh38, 1-based): chr8:144,429,270, A>G on the plus strand (T>C on the coding strand, the complement: TONSL is on the minus strand). VCF-style: chr8-144429270-A-G. GRCh37 (hg19) VCF-style: chr8-145654653-A-G.
Other names: short protein forms L1337P.
Identifiers: ClinVar variation 3720591 (VCV003720591.2).

ClinVar aggregate classification (germline): Uncertain significance (1 of 4 stars; one submission).

Submission:

Labcorp Genetics (formerly Invitae), Labcorp
Classification: Uncertain significance. Last evaluated: 2024-11-25. Review status: criteria provided, single submitter. Criteria: Invitae Variant Classification Sherloc (09022015). Collection method: clinical testing. Allele origin: germline.
Comment: This sequence change replaces leucine, which is neutral and non-polar, with proline, which is neutral and non-polar, at codon 1337 of the TONSL protein (p.Leu1337Pro). This variant is not present in population databases (gnomAD no frequency). This variant has not been reported in the literature in individuals affected with TONSL-related conditions. Invitae Evidence Modeling of protein sequence and biophysical properties (such as structural, functional, and spatial information, amino acid conservation, physicochemical variation, residue mobility, and thermodynamic stability) indicates that this missense variant is expected to disrupt TONSL protein function with a positive predictive value of 80%. In summary, the available evidence is currently insufficient to determine the role of this variant in disease. Therefore, it has been classified as a Variant of Uncertain Significance.